The following is an entry in ClinVar:

NM_001171613.2(PREPL):c.-2A>G

Gene: PREPL (prolyl endopeptidase like; minus strand). Cytogenetic location: 2p21.
Variant type: single nucleotide variant.
Coding change: c.-2A>G on transcript NM_001171613.2 (MANE Select); 2 bases upstream of the start codon, A replaced by G.
Molecular consequence: 5 prime UTR variant. On other transcripts: missense variant (7).
Genome position (GRCh38, 1-based): chr2:44,346,344, T>C on the plus strand (A>G on the coding strand, the complement: PREPL is on the minus strand). VCF-style: chr2-44346344-T-C. GRCh37 (hg19) VCF-style: chr2-44573483-T-C.
Other names: c.266A>G, p.Asn89Ser (NM_001042385.2, NM_001042386.2, NM_001171603.1 and 4 more transcripts); c.-2A>G (NM_001171617.1, NM_001374277.1); short protein forms N89S.
Identifiers: ClinVar variation 1051782 (VCV001051782.9), dbSNP rs2104023319, ClinGen allele CA346694021.
Genomic context (GRCh38, chr2:44,346,344, plus strand): 5'-TCATATTCTTCTTGTGGCTGTGTTTCTAATTTTGTTCTCACTTTTTCAAATGCATCCATG[T>C]TTTCTGGAAGGGGTTTTTCGTTTTCTTGTTTAACAGGCTGAAGATCCTGGAAAAAGTTTT-3'

ClinVar aggregate classification (germline): Uncertain significance (1 of 4 stars; one submission).

Conditions:
Myasthenic syndrome, congenital, 22 (CMS22). Also called: PREPL DEFICIENCY. Identifiers: MedGen C4479088, MONDO:0044299, OMIM 616224.

gnomAD v4.1: 2 of 1,612,810 alleles (0.00012%); highest among the groups gnomAD compares: Non-Finnish European, 0.00017%; no homozygotes.

Submission:

Labcorp Genetics (formerly Invitae), Labcorp
Classification: Uncertain significance for Myasthenic syndrome, congenital, 22. Last evaluated: 2022-07-19. Review status: criteria provided, single submitter. Criteria: Invitae Variant Classification Sherloc (09022015). Collection method: clinical testing. Allele origin: germline.
Comment: In summary, the available evidence is currently insufficient to determine the role of this variant in disease. Therefore, it has been classified as a Variant of Uncertain Significance. Algorithms developed to predict the effect of missense changes on protein structure and function (SIFT, PolyPhen-2, Align-GVGD) all suggest that this variant is likely to be tolerated. ClinVar contains an entry for this variant (Variation ID: 1051782). This variant has not been reported in the literature in individuals affected with PREPL-related conditions. This variant is not present in population databases (gnomAD no frequency). This sequence change replaces asparagine, which is neutral and polar, with serine, which is neutral and polar, at codon 89 of the PREPL protein (p.Asn89Ser).